The following is an entry in ClinVar:

NM_004519.4(KCNQ3):c.956A>G (p.Tyr319Cys)

Gene: KCNQ3 (potassium voltage-gated channel subfamily Q member 3; minus strand). Cytogenetic location: 8q24.22.
Variant type: single nucleotide variant.
Coding change: c.956A>G on transcript NM_004519.4 (MANE Select); coding-DNA position 956, A replaced by G.
Protein change: p.Tyr319Cys; replaces tyrosine 319 with cysteine.
Molecular consequence: missense variant.
Genome position (GRCh38, 1-based): chr8:132,174,327, T>C on the plus strand (A>G on the coding strand, the complement: KCNQ3 is on the minus strand). VCF-style: chr8-132174327-T-C. GRCh37 (hg19) VCF-style: chr8-133186574-T-C.
Other names: c.956A>G (NM_004519.3); c.596A>G, p.Tyr199Cys (NM_001204824.2); short protein forms Y319C, Y199C.
Identifiers: ClinVar variation 444762 (VCV000444762.49), dbSNP rs1554627218, ClinGen allele CA372290232.
Genomic context (GRCh38, chr8:132,174,327, plus strand): 5'-ATTAAGGAAAAGGTGGCGGCAATCAGACGGCCTTCCCACGTTTTGGGTGTCTTGTCTCCA[T>C]AGCCAATGGTGGCCAGTGTGATCTGAAGAGAGAAGAGTTCAGACATGGAGTACCACATGG-3'
Protein context (NP_004510.1, residues 309-329): WGLITLATIG[Tyr319Cys]GDKTPKTWEG

ClinVar aggregate classification (germline): Conflicting classifications of pathogenicity. Review status: criteria provided, conflicting classifications (1 of 4 stars). 4 submissions from 4 submitters: Likely pathogenic (2); Uncertain significance (2). Last evaluated 2025-11-07.

Conditions:
KCNQ3-related disorder. Also called: KCNQ3-related condition; KCNQ3-Related Disorders. Identifiers: MedGen CN381530.
Seizure. Also called: Seizures. Identifiers: MedGen C0036572, HP:0001250.
Benign neonatal seizures. Also called: Benign neonatal familial convulsions; Benign familial neonatal epilepsy; Benign familial neonatal seizures; Convulsions benign familial neonatal dominant form; Autosomal dominant form of benign neonatal seizures. Identifiers: Orphanet 1949, MedGen C0220669, MONDO:0016027.

Submissions (4):

PreventionGenetics, part of Exact Sciences
Classification: Likely pathogenic for KCNQ3-related condition. Last evaluated: 2025-11-07. Review status: criteria provided, single submitter. Criteria: ACMG Guidelines, 2015. Collection method: clinical testing. Allele origin: germline.
Comment: The KCNQ3 c.956A>G variant is predicted to result in the amino acid substitution p.Tyr319Cys. This variant has been reported as having arisen de novo in one individual with epilepsy (Pijpers et al. 2023. PubMed ID: 37429183; Vilan et al. 2024. PubMed ID: 37827512). This variant has not been reported in a large population database (gnomAD), indicating it is rare. This variant is interpreted as likely pathogenic.

Labcorp Genetics (formerly Invitae), Labcorp
Classification: Uncertain significance for Benign neonatal seizures. Last evaluated: 2024-10-15. Review status: criteria provided, single submitter. Criteria: Invitae Variant Classification Sherloc (09022015). Collection method: clinical testing. Allele origin: germline.
Comment: This sequence change replaces tyrosine, which is neutral and polar, with cysteine, which is neutral and slightly polar, at codon 319 of the KCNQ3 protein (p.Tyr319Cys). This variant is not present in population databases (gnomAD no frequency). This variant has not been reported in the literature in individuals affected with KCNQ3-related conditions. ClinVar contains an entry for this variant (Variation ID: 444762). Invitae Evidence Modeling of protein sequence and biophysical properties (such as structural, functional, and spatial information, amino acid conservation, physicochemical variation, residue mobility, and thermodynamic stability) indicates that this missense variant is expected to disrupt KCNQ3 protein function with a positive predictive value of 80%. In summary, the available evidence is currently insufficient to determine the role of this variant in disease. Therefore, it has been classified as a Variant of Uncertain Significance.

Cytogénomique, Hospices Civils de Lyon
Classification: Likely pathogenic for seizures. Last evaluated: 2023-03-24. Review status: criteria provided, single submitter. Criteria: ACMG Guidelines, 2015. Collection method: clinical testing. Allele origin: paternal. Affected: yes. Observed: 1 variant allele, 1 heterozygote.

CeGaT Center for Human Genetics Tuebingen
Classification: Uncertain significance. Last evaluated: 2017-10-01. Review status: criteria provided, single submitter. Criteria: CeGaT Center For Human Genetics Tuebingen Variant Classification Criteria Version 2. Collection method: clinical testing. Allele origin: germline. Affected: yes. Observed: 1 variant allele.